The following is an entry in ClinVar:

NM_004525.3(LRP2):c.6230G>A (p.Ser2077Asn)

Gene: LRP2 (LDL receptor related protein 2; minus strand). Cytogenetic location: 2q31.1.
Variant type: single nucleotide variant.
Coding change: c.6230G>A on transcript NM_004525.3 (MANE Select); coding-DNA position 6230, G replaced by A.
Protein change: p.Ser2077Asn; replaces serine 2077 with asparagine.
Molecular consequence: missense variant.
Genome position (GRCh38, 1-based): chr2:169,212,018, C>T on the plus strand (G>A on the coding strand, the complement: LRP2 is on the minus strand). VCF-style: chr2-169212018-C-T. GRCh37 (hg19) VCF-style: chr2-170068528-C-T.
Other names: c.6230G>A (NM_004525.2); short protein forms S2077N.
Identifiers: ClinVar variation 1957252 (VCV001957252.4), dbSNP rs2545821407, ClinGen allele CA349131130.

ClinVar aggregate classification (germline): Uncertain significance. Review status: criteria provided, multiple submitters, no conflicts (2 of 4 stars). 3 submissions from 3 submitters: Uncertain significance (3). Last evaluated 2024-03-22.

Conditions:
Inborn genetic diseases. Identifiers: MedGen C0950123, MeSH D030342.
Donnai-Barrow syndrome. Also called: DBS/FOAR SYNDROME; FACIOOCULOACOUSTICORENAL SYNDROME. Identifiers: Orphanet 2143, MedGen C1857277, MONDO:0009104, OMIM 222448.

Submissions (3):

Fulgent Genetics
Classification: Uncertain significance for Donnai-Barrow syndrome. Last evaluated: 2024-03-22. Review status: criteria provided, single submitter. Criteria: ACMG Guidelines, 2015. Collection method: clinical testing. Allele origin: germline.

Ambry Genetics
Classification: Uncertain significance for Inborn genetic diseases. Last evaluated: 2024-01-03. Review status: criteria provided, single submitter. Criteria: Ambry Variant Classification Scheme 2023. Collection method: clinical testing. Allele origin: germline.

Labcorp Genetics (formerly Invitae), Labcorp
Classification: Uncertain significance. Last evaluated: 2022-09-01. Review status: criteria provided, single submitter. Criteria: Invitae Variant Classification Sherloc (09022015). Collection method: clinical testing. Allele origin: germline.
Comment: This sequence change replaces serine, which is neutral and polar, with asparagine, which is neutral and polar, at codon 2077 of the LRP2 protein (p.Ser2077Asn). This variant is not present in population databases (gnomAD no frequency). This variant has not been reported in the literature in individuals affected with LRP2-related conditions. Advanced modeling of protein sequence and biophysical properties (such as structural, functional, and spatial information, amino acid conservation, physicochemical variation, residue mobility, and thermodynamic stability) performed at Invitae indicates that this missense variant is not expected to disrupt LRP2 protein function. In summary, the available evidence is currently insufficient to determine the role of this variant in disease. Therefore, it has been classified as a Variant of Uncertain Significance.